The following is an entry in ClinVar:

ClinVar aggregate classification (germline): Uncertain significance. Review status: criteria provided, multiple submitters, no conflicts (2 of 4 stars). 2 submissions from 2 submitters: Uncertain significance (2). Last evaluated 2025-08-27.

Conditions:
Inborn genetic diseases. Identifiers: MedGen C0950123, MeSH D030342.
Majeed syndrome (MJDS). Also called: CHRONIC RECURRENT MULTIFOCAL OSTEOMYELITIS 1, WITH CONGENITAL DYSERYTHROPOIETIC ANEMIA, WITH OR WITHOUT NEUTROPHILIC DERMATOSIS; LPIN2-Related Majeed Syndrome. Identifiers: Orphanet 77297, MedGen C1864997, MONDO:0012316, OMIM 609628.

Allele frequency attached by ClinVar (database versions not stated): gnomAD exomes below 0.00001 and 0.00001; ExAC 0.00002.
gnomAD v4.1: 3 of 1,613,690 alleles (0.00019%); highest among the groups gnomAD compares: Non-Finnish European, 0.00025%; no homozygotes.

Submissions (2):

Ambry Genetics
Classification: Uncertain significance for Inborn genetic diseases. Last evaluated: 2025-08-27. Review status: criteria provided, single submitter. Criteria: Ambry Variant Classification Scheme 2023. Collection method: clinical testing. Allele origin: germline.

Labcorp Genetics (formerly Invitae), Labcorp
Classification: Uncertain significance for Majeed syndrome. Last evaluated: 2022-03-19. Review status: criteria provided, single submitter. Criteria: Invitae Variant Classification Sherloc (09022015). Collection method: clinical testing. Allele origin: germline.
Comment: This sequence change replaces aspartic acid, which is acidic and polar, with asparagine, which is neutral and polar, at codon 75 of the LPIN2 protein (p.Asp75Asn). This variant is present in population databases (rs750411797, gnomAD 0.0009%). This variant has not been reported in the literature in individuals affected with LPIN2-related conditions. ClinVar contains an entry for this variant (Variation ID: 1063578). Algorithms developed to predict the effect of missense changes on protein structure and function (SIFT, PolyPhen-2, Align-GVGD) all suggest that this variant is likely to be tolerated. In summary, the available evidence is currently insufficient to determine the role of this variant in disease. Therefore, it has been classified as a Variant of Uncertain Significance.

NM_001375808.2(LPIN2):c.223G>A (p.Asp75Asn)

Gene: LPIN2 (lipin 2; minus strand). Cytogenetic location: 18p11.31.
Variant type: single nucleotide variant.
Coding change: c.223G>A on transcript NM_001375808.2 (MANE Select); coding-DNA position 223, G replaced by A.
Protein change: p.Asp75Asn; replaces aspartic acid 75 with asparagine.
Molecular consequence: missense variant.
Genome position (GRCh38, 1-based): chr18:2,954,569, C>T on the plus strand (G>A on the coding strand, the complement: LPIN2 is on the minus strand). VCF-style: chr18-2954569-C-T. GRCh37 (hg19) VCF-style: chr18-2954567-C-T.
Other names: c.223G>A, p.Asp75Asn (NM_001375809.1, NM_014646.2); short protein forms D75N.
Identifiers: ClinVar variation 1063578 (VCV001063578.10), dbSNP rs750411797, ClinGen allele CA8873612.
Genomic context (GRCh38, chr18:2,954,569, plus strand): 5'-CTTCTTCAGTCTCCTCAACAAAGAAAGCTTCTCCGTTATCACCCAACTTCATGTGAAGAT[C>T]CACTGCACTGCCGTTGATTTCTATATCAATCTATGGGAGAAACAAAGTATGACTTAATGT-3'
Protein context (NP_001362737.1, residues 65-85): IDIEINGSAV[Asp75Asn]LHMKLGDNGE